The following is an entry in ClinVar:

ClinVar aggregate classification (germline): Likely benign. Review status: criteria provided, multiple submitters, no conflicts (2 of 4 stars). 3 submissions from 3 submitters: Likely benign (3). Last evaluated 2025-08-01.

Conditions:
Hereditary cancer-predisposing syndrome. Also called: Neoplastic Syndromes, Hereditary; Hereditary neoplastic syndrome; Tumor predisposition; Hereditary Cancer Syndrome. Identifiers: Orphanet 140162, MedGen C0027672, MeSH D009386, MONDO:0015356.
Familial adenomatous polyposis 1 (FAP1). Also called: POLYPOSIS, ADENOMATOUS INTESTINAL; FAMILIAL ADENOMATOUS POLYPOSIS 1, ATTENUATED. Identifiers: MedGen C2713442, MONDO:0021056, OMIM 175100. Disease mechanism: loss of function.

Submissions (3):

CeGaT Center for Human Genetics Tuebingen
Classification: Likely benign. Last evaluated: 2025-08-01. Review status: criteria provided, single submitter. Criteria: CeGaT Center For Human Genetics Tuebingen Variant Classification Criteria Version 2. Collection method: clinical testing. Allele origin: germline. Affected: yes. Observed: 1 variant allele.
Comment: APC: PM2:Supporting, BP4, BP7

Labcorp Genetics (formerly Invitae), Labcorp
Classification: Likely benign for Familial adenomatous polyposis 1. Last evaluated: 2024-06-15. Review status: criteria provided, single submitter. Criteria: Invitae Variant Classification Sherloc (09022015). Collection method: clinical testing. Allele origin: germline.

Ambry Genetics
Classification: Likely benign for Hereditary cancer-predisposing syndrome. Last evaluated: 2020-11-22. Review status: criteria provided, single submitter. Criteria: Ambry Variant Classification Scheme 2023. Collection method: clinical testing. Allele origin: germline.

NM_000038.6(APC):c.6435A>G (p.Gly2145=)

Gene: APC (APC regulator of Wnt signaling pathway; plus strand). Cytogenetic location: 5q22.2.
Variant type: single nucleotide variant.
Coding change: c.6435A>G on transcript NM_000038.6 (MANE Select); coding-DNA position 6435, A replaced by G.
Protein change: p.Gly2145=; no amino-acid change (glycine 2145 retained).
Molecular consequence: synonymous variant.
Genome position (GRCh38, 1-based): chr5:112,842,029, A>G. VCF-style: chr5-112842029-A-G. GRCh37 (hg19) VCF-style: chr5-112177726-A-G.
Other names: c.6435A>G, p.Gly2145= (NM_001127510.3, NM_001354895.2); c.6381A>G, p.Gly2127= (NM_001127511.3); c.6489A>G, p.Gly2163= (NM_001354896.2); c.6465A>G, p.Gly2155= (NM_001354897.2); c.6360A>G, p.Gly2120= (NM_001354898.2); c.6351A>G, p.Gly2117= (NM_001354899.2); c.6312A>G, p.Gly2104= (NM_001354900.2); c.6258A>G, p.Gly2086= (NM_001354901.2); and 5 more.
Identifiers: ClinVar variation 1583215 (VCV001583215.18), dbSNP rs2149964848, ClinGen allele CA446210492.